The following is an entry in ClinVar:

NM_014795.4(ZEB2):c.-70+8T>C

Genes: ZEB2 (zinc finger E-box binding homeobox 2; minus strand), ZEB2-AS1 (ZEB2 antisense RNA 1; plus strand). Cytogenetic location: 2q22.3.
Variant type: single nucleotide variant.
Coding change: c.-70+8T>C on transcript NM_014795.4 (MANE Select); 8 bases into the intron after 70 bases upstream of the start codon, T replaced by C.
Molecular consequence: intron variant.
Genome position (GRCh38, 1-based): chr2:144,519,931, A>G on the plus strand (T>C on the coding strand, the complement: ZEB2 is on the minus strand). VCF-style: chr2-144519931-A-G. GRCh37 (hg19) VCF-style: chr2-145277498-A-G.
Other names: c.-70+8T>C (NM_001171653.2).
Identifiers: ClinVar variation 384404 (VCV000384404.1), dbSNP rs1057521945, ClinGen allele CA16603821.

ClinVar aggregate classification (germline): Likely benign (1 of 4 stars; one submission).

Allele frequency attached by ClinVar (database versions not stated): gnomAD exomes 0.00002 and 0.00006; TOPMed 0.00003; gnomAD 0.00001.
gnomAD v4.1: 8 of 446,308 alleles (0.0018%); highest among the groups gnomAD compares: East Asian, 0.056%; no homozygotes.

Submission:

GeneDx
Classification: Likely benign. Last evaluated: 2016-03-08. Review status: criteria provided, single submitter. Criteria: GeneDx Variant Classification (06012015). Collection method: clinical testing. Allele origin: germline. Affected: yes.
Comment: This variant is considered likely benign or benign based on one or more of the following criteria: it is a conservative change, it occurs at a poorly conserved position in the protein, it is predicted to be benign by multiple in silico algorithms, and/or has population frequency not consistent with disease.